The following is an entry in ClinVar:

NM_004304.5(ALK):c.2047T>C (p.Trp683Arg)

Gene: ALK (ALK receptor tyrosine kinase; minus strand). Cytogenetic location: 2p23.2.
Variant type: single nucleotide variant.
Coding change: c.2047T>C on transcript NM_004304.5 (MANE Select); coding-DNA position 2047, T replaced by C.
Protein change: p.Trp683Arg; replaces tryptophan 683 with arginine.
Molecular consequence: missense variant.
Genome position (GRCh38, 1-based): chr2:29,251,262, A>G on the plus strand (T>C on the coding strand, the complement: ALK is on the minus strand). VCF-style: chr2-29251262-A-G. GRCh37 (hg19) VCF-style: chr2-29474128-A-G.
Other names: short protein forms W683R.
Identifiers: ClinVar variation 3855375 (VCV003855375.1).

ClinVar aggregate classification (germline): Uncertain significance (1 of 4 stars; one submission).

Conditions:
Hereditary cancer-predisposing syndrome. Also called: Hereditary neoplastic syndrome; Neoplastic Syndromes, Hereditary; Tumor predisposition; Hereditary Cancer Syndrome. Identifiers: Orphanet 140162, MedGen C0027672, MeSH D009386, MONDO:0015356.

Submission:

Ambry Genetics
Classification: Uncertain significance for Hereditary cancer-predisposing syndrome. Last evaluated: 2025-01-15. Review status: criteria provided, single submitter. Criteria: Ambry Variant Classification Scheme 2023. Collection method: clinical testing. Allele origin: germline.
Comment: The p.W683R variant (also known as c.2047T>C), located in coding exon 12 of the ALK gene, results from a T to C substitution at nucleotide position 2047. The tryptophan at codon 683 is replaced by arginine, an amino acid with dissimilar properties. This amino acid position is conserved. In addition, this alteration is predicted to be deleterious by in silico analysis. Based on the available evidence, the clinical significance of this variant remains unclear.